The following is an entry in ClinVar:

NM_001349206.2(LPIN1):c.1583A>G (p.Gln528Arg)

Gene: LPIN1 (lipin 1; plus strand). Cytogenetic location: 2p25.1.
Variant type: single nucleotide variant.
Coding change: c.1583A>G on transcript NM_001349206.2 (MANE Select); coding-DNA position 1583, A replaced by G.
Protein change: p.Gln528Arg; replaces glutamine 528 with arginine.
Molecular consequence: missense variant. On other transcripts: non-coding transcript variant (1).
Genome position (GRCh38, 1-based): chr2:11,787,107, A>G. VCF-style: chr2-11787107-A-G. GRCh37 (hg19) VCF-style: chr2-11927233-A-G.
Other names: c.1493A>G, p.Gln498Arg (NM_001261427.3); c.1730A>G, p.Gln577Arg (NM_001261428.3); c.1475A>G, p.Gln492Arg (NM_001349199.2, NM_001349200.2, NM_001349201.2 and 1 more transcripts); c.1580A>G, p.Gln527Arg (NM_001349202.2, NM_001349203.2); c.1583A>G, p.Gln528Arg (NM_001349204.2, NM_001349205.2); c.1673A>G, p.Gln558Arg (NM_001349207.2); c.1622A>G, p.Gln541Arg (NM_001349208.2); short protein forms Q492R, Q528R, Q577R, Q541R, Q558R, Q498R, Q527R.
Identifiers: ClinVar variation 451800 (VCV000451800.2), dbSNP rs1553435063, ClinGen allele CA345857813.

ClinVar aggregate classification (germline): Uncertain significance (1 of 4 stars; one submission).

Submission:

GeneDx
Classification: Uncertain significance. Last evaluated: 2017-09-04. Review status: criteria provided, single submitter. Criteria: GeneDx Variant Classification (06012015). Collection method: clinical testing. Allele origin: germline. Affected: yes.
Comment: The Q492R variant in the LPIN1 gene has not been reported previously as a pathogenic variant, nor as a benign variant, to our knowledge. The Q492R variant is not observed in large population cohorts (Lek et al., 2016; 1000 Genomes Consortium et al., 2015; Exome Variant Server). The Q492R variant is a semi-conservative amino acid substitution, which may impact secondary protein structure as these residues differ in some properties. This substitution occurs at a position that is conserved in mammals. In silico analysis predicts this variant is probably damaging to the protein structure/function. We interpret Q492R as a variant of uncertain significance.